The following is an entry in ClinVar:

NM_001378120.1(MBD5):c.692T>C (p.Ile231Thr)

Gene: MBD5 (methyl-CpG binding domain protein 5; plus strand). Cytogenetic location: 2q23.1.
Variant type: single nucleotide variant.
Coding change: c.692T>C on transcript NM_001378120.1 (MANE Select); coding-DNA position 692, T replaced by C.
Protein change: p.Ile231Thr; replaces isoleucine 231 with threonine.
Molecular consequence: missense variant.
Genome position (GRCh38, 1-based): chr2:148,468,635, T>C. VCF-style: chr2-148468635-T-C. GRCh37 (hg19) VCF-style: chr2-149226204-T-C.
Other names: c.692T>C, p.Ile231Thr (NM_018328.5); short protein forms I231T.
Identifiers: ClinVar variation 199149 (VCV000199149.29), dbSNP rs199530726, ClinGen allele CA248197.

ClinVar aggregate classification (germline): Conflicting classifications of pathogenicity. Review status: criteria provided, conflicting classifications (1 of 4 stars). 6 submissions from 6 submitters: Uncertain significance (1); Benign (1); Likely benign (3). 1 of the submissions does not count toward it. Last evaluated 2025-12-10.

Conditions:
MBD5-related disorder. Also called: MBD5-related condition.
Inborn genetic diseases. Identifiers: MedGen C0950123, MeSH D030342.
Intellectual developmental disorder, autosomal dominant 1. Also called: MBD5 Haploinsufficiency; Intellectual disability, autosomal dominant 1. Identifiers: Orphanet 228402, MedGen C1969562, MONDO:0007974, OMIM 156200.

Allele frequency attached by ClinVar (database versions not stated): gnomAD exomes 0.00003 and 0.00006; TOPMed 0.00003; gnomAD 0.00004 and 0.00005; ExAC 0.00007; 1000 Genomes Project 30x 0.00016; 1000 Genomes Project 0.00020.
gnomAD v4.1: 59 of 1,613,856 alleles (0.0037%); highest among the groups gnomAD compares: Admixed American, 0.015%; no homozygotes.

Submissions (6):

Ambry Genetics
Classification: Likely benign for Inborn genetic diseases. Last evaluated: 2025-12-10. Review status: criteria provided, single submitter. Criteria: Ambry Variant Classification Scheme 2023. Collection method: clinical testing. Allele origin: germline.

Labcorp Genetics (formerly Invitae), Labcorp
Classification: Benign for Intellectual developmental disorder, autosomal dominant 1. Last evaluated: 2025-10-11. Review status: criteria provided, single submitter. Criteria: Invitae Variant Classification Sherloc (09022015). Collection method: clinical testing. Allele origin: germline.

GeneDx
Classification: Likely benign. Last evaluated: 2020-02-05. Review status: criteria provided, single submitter. Criteria: GeneDx Variant Classification Process June 2021. Collection method: clinical testing. Allele origin: germline. Affected: yes.

Genetic Services Laboratory, University of Chicago
Classification: Likely benign. Last evaluated: 2016-06-08. Review status: criteria provided, single submitter. Criteria: ACMG Guidelines, 2015. Collection method: clinical testing. Allele origin: germline. Affected: no.

Eurofins Ntd Llc (ga)
Classification: Uncertain significance. Last evaluated: 2015-03-11. Review status: criteria provided, single submitter. Criteria: EGL Classification Definitions 2015. Collection method: clinical testing. Allele origin: germline. Observed: 1 variant allele, 1 heterozygote.

PreventionGenetics, part of Exact Sciences
Classification: Likely benign for MBD5-related condition. Last evaluated: 2024-01-25. Review status: no assertion criteria provided. Collection method: clinical testing. Allele origin: germline. Not counted in ClinVar's aggregate classification.
Comment: This variant is classified as likely benign based on ACMG/AMP sequence variant interpretation guidelines (Richards et al. 2015 PMID: 25741868, with internal and published modifications).